The following is an entry in ClinVar:

NM_001048174.2(MUTYH):c.1465_1466dup (p.Ser490fs)

Gene: MUTYH (mutY DNA glycosylase; minus strand). Cytogenetic location: 1p34.1.
Variant type: Duplication.
Coding change: c.1465_1466dup on transcript NM_001048174.2 (MANE Select); coding-DNA positions 1465 to 1466, 2 bases duplicated (TG; older notation c.1465_1466dupTG).
Protein change: p.Ser490fs; shifts the reading frame from serine 490.
Molecular consequence: frameshift variant. On other transcripts: non-coding transcript variant (2).
Genome position (GRCh38, 1-based): chr1:45,329,406-45,329,407, CA duplicated on the plus strand (TG on the coding strand, the reverse complement: MUTYH is on the minus strand); duplicating any 2 consecutive bases within chr1:45,329,406-45,329,408 gives the same sequence; the c. name uses the placement nearest the transcript's 3' end. VCF-style (leftmost placement, unchanged base first): chr1-45329405-G-GCA. GRCh37 (hg19) VCF-style: chr1-45795077-G-GCA.
Other names: c.1465_1466dup, p.Ser490fs (NM_001048171.2, NM_001048173.2, NM_001293195.2); c.1468_1469dup, p.Ser491fs (NM_001048172.2); c.1549_1550dup, p.Ser518fs (NM_001128425.2); c.1510_1511dup, p.Ser505fs (NM_001293190.2); c.1498_1499dup, p.Ser501fs (NM_001293191.2); c.1189_1190dup, p.Ser398fs (NM_001293192.2, NM_001293196.2); c.1120_1121dup, p.Ser375fs (NM_001350650.2, NM_001350651.2); c.1540_1541dup, p.Ser515fs (NM_012222.3); and 1 more; short protein forms S398fs, S505fs, S518fs, S375fs, S490fs, S501fs, S491fs, S515fs.
Identifiers: ClinVar variation 406826 (VCV000406826.8), dbSNP rs1553123017, ClinGen allele CA16610168.
Genomic context (GRCh38, chr1:45,329,405, plus strand): 5'-GATGTGAGACCGAAAGAAATTATCCAGGACTTGCTGGCCCATGCGGGGCTTTTTCCGACT[G>GCA]CACGGAGAGGACACCTGGGACCTTTTGGAACCCTGTGAAAAAATGGAAGGAGGGAGGCCT-3'

ClinVar aggregate classification (germline): Likely pathogenic (1 of 4 stars; one submission).

Conditions:
Familial adenomatous polyposis 2. Also called: COLORECTAL ADENOMATOUS POLYPOSIS, AUTOSOMAL RECESSIVE; MUTYH Polyposis; MUTYH-associated polyposis; MUTYH-related attenuated familial adenomatous polyposis; Adenomas, multiple colorectal; ADENOMAS, MULTIPLE COLORECTAL, AUTOSOMAL RECESSIVE. Identifiers: Orphanet 220460, Orphanet 247798, MedGen C3272841, MONDO:0012041, OMIM 608456.

Submission:

Labcorp Genetics (formerly Invitae), Labcorp
Classification: Likely pathogenic for Familial adenomatous polyposis 2. Last evaluated: 2017-10-18. Review status: criteria provided, single submitter. Criteria: Invitae Variant Classification Sherloc (09022015). Collection method: clinical testing. Allele origin: germline.
Comment: This variant has not been reported in the literature in individuals with MUTYH-related disease. ClinVar contains an entry for this variant (Variation ID: 406826). In summary, the currently available evidence indicates that the variant is pathogenic, but additional data are needed to prove that conclusively. Therefore, this variant has been classified as Likely Pathogenic. This frameshift disrupts the conserved PCNA binding motif of MUTYH (Gln526-Phe533, also known as Gln512-Phe519 in the literature because of transcript nomenclature differences), which has been shown to be critical for MUTYH-PCNA binding (PMID: 11092888, 26377631). Experimental studies have shown that MUTYH and PCNA co-localize at sites of DNA replication, and that MUTYH-PCNA complexes possess adenine glycosylase activity (PMID: 11433026). In MUTYH-deficient murine cells, a mutated MUTYH protein in which the conserved PCNA binding motif was disrupted did not increase repair efficiency as compared to wild-type MUTYH (PMID: 11864576). This variant is not present in population databases (ExAC no frequency). This sequence change results in a premature translational stop signal in the MUTYH gene (p.Ser518Alafs*54). While this is not anticipated to result in nonsense mediated decay, it is expected to disrupt the last 32 amino acids of the MUTYH protein.

Literature cited by the submitters: PubMed 11092888; PubMed 26377631; PubMed 11433026; PubMed 11864576.